The following is an entry in ClinVar:

ClinVar aggregate classification (germline): Pathogenic/Likely pathogenic. Review status: criteria provided, multiple submitters, no conflicts (2 of 4 stars). 6 submissions from 6 submitters: Pathogenic (2); Likely pathogenic (3). 1 of the submissions does not count toward it. Last evaluated 2025-08-15.

Conditions:
BBS9-related disorder. Also called: BBS9-related condition.
Bardet-Biedl syndrome (BBS). Identifiers: Orphanet 110, MedGen C0752166, MONDO:0015229.
Bardet-Biedl syndrome 9 (BBS9). Identifiers: Orphanet 110, MedGen C1859567, MONDO:0014437, OMIM 615986.

Allele frequency attached by ClinVar (database versions not stated): gnomAD exomes below 0.00001; gnomAD 0.00001.
gnomAD v4.1: 9 of 1,595,712 alleles (0.00056%); highest among the groups gnomAD compares: Non-Finnish European, 0.00077%; no homozygotes.

Submissions (6):

Genetics Laboratory, Great Ormond Street Hospital NHS Foundation Trust, North Thames Genomic Laboratory Hub
Classification: Pathogenic for Bardet Biedl syndrome. Last evaluated: 2025-08-15. Review status: criteria provided, single submitter. Criteria: ACGS Best Practice Guidelines for Variant Classification in Rare Disease 2024 v1.2. Collection method: clinical testing. Allele origin: germline. Affected: yes.
Comment: PM2_moderate, PVS1_very-strong, PP4_supporting

Women's Health and Genetics/Laboratory Corporation of America, LabCorp
Classification: Likely pathogenic for Bardet-Biedl syndrome. Last evaluated: 2024-10-10. Review status: criteria provided, single submitter. Criteria: LabCorp Variant Classification Summary - May 2015. Collection method: clinical testing. Allele origin: germline.
Comment: Variant summary: BBS9 c.442+1G>C is located in a canonical splice-site and is predicted to affect mRNA splicing resulting in a significantly altered protein due to either exon skipping, shortening, or inclusion of intronic material. Variants that disrupt the consensus splice site are a relatively common cause of aberrant splicing and loss of BBS9 function. Several computational tools predict a significant impact on normal splicing: Three predict the variant abolishes a 5' splicing donor site. However, these predictions have yet to be confirmed by functional studies. The variant allele was found at a frequency of 4e-06 in 251184 control chromosomes. c.442+1G>C has been reported in the literature in individuals affected with Bardet-Biedl Syndrome as a compound heterozygous or unreported genotype (e.g. Nishimura_2005, Pereiro_2011, Forsythe_2017). These data indicate that the variant may be associated with disease. To our knowledge, no experimental evidence demonstrating an impact on protein function has been reported. The following publications have been ascertained in the context of this evaluation (PMID: 27659767, 16380913, 21157496). ClinVar contains an entry for this variant (Variation ID: 2661). Based on the evidence outlined above, the variant was classified as likely pathogenic.

Labcorp Genetics (formerly Invitae), Labcorp
Classification: Likely pathogenic for Bardet-Biedl syndrome. Last evaluated: 2023-05-23. Review status: criteria provided, single submitter. Criteria: Invitae Variant Classification Sherloc (09022015). Collection method: clinical testing. Allele origin: germline.
Comment: This sequence change affects a donor splice site in intron 5 of the BBS9 gene. It is expected to disrupt RNA splicing. Variants that disrupt the donor or acceptor splice site typically lead to a loss of protein function (PMID: 16199547), and loss-of-function variants in BBS9 are known to be pathogenic (PMID: 16380913, 20177705). This variant is not present in population databases (gnomAD no frequency). Disruption of this splice site has been observed in individual(s) with Bardet-Biedl syndrome (PMID: 16380913). This variant is also known as IVS5+1G>C. ClinVar contains an entry for this variant (Variation ID: 2661). Algorithms developed to predict the effect of sequence changes on RNA splicing suggest that this variant may disrupt the consensus splice site. In summary, the currently available evidence indicates that the variant is pathogenic, but additional data are needed to prove that conclusively. Therefore, this variant has been classified as Likely Pathogenic.

Baylor Genetics
Classification: Pathogenic for Bardet-Biedl syndrome 9. Last evaluated: 2022-10-27. Review status: criteria provided, single submitter. Criteria: ACMG Guidelines, 2015. Collection method: clinical testing. Allele origin: unknown.

Blueprint Genetics
Classification: Likely pathogenic for BBS9-related disorders. Last evaluated: 2020-11-11. Review status: criteria provided, single submitter. Criteria: ACMG Guidelines, 2015. Collection method: clinical testing. Allele origin: germline. Affected: yes. Observed: 1 variant allele.

OMIM
Classification: Pathogenic for BARDET-BIEDL SYNDROME 9. Last evaluated: 2005-12-01. Review status: no assertion criteria provided. Collection method: literature only. Allele origin: germline. Not counted in ClinVar's aggregate classification.

Literature cited by the submitters: PubMed 21157496 (cited by Women's Health and Genetics/Laboratory Corporation of America, LabCorp); PubMed 27659767 (cited by Women's Health and Genetics/Laboratory Corporation of America, LabCorp); PubMed 16380913 (cited by 3 submitters); PubMed 16199547 (cited by Labcorp Genetics (formerly Invitae), Labcorp); PubMed 20177705 (cited by Labcorp Genetics (formerly Invitae), Labcorp).

NM_198428.3(BBS9):c.442+1G>C

Gene: BBS9 (Bardet-Biedl syndrome 9; plus strand). Cytogenetic location: 7p14.3.
Variant type: single nucleotide variant.
Coding change: c.442+1G>C on transcript NM_198428.3 (MANE Select); the canonical splice donor site of the intron after coding-DNA position 442, G replaced by C.
Molecular consequence: splice donor variant.
Genome position (GRCh38, 1-based): chr7:33,177,592, G>C. VCF-style: chr7-33177592-G-C. GRCh37 (hg19) VCF-style: chr7-33217204-G-C.
Other names: IVS5DS, G-C, +1; c.442+1G>C (NM_001348036.1, NM_001362679.1, NM_001348041.4 and 5 more transcripts); c.169+1G>C (NM_001348038.3, NM_001348039.3); c.76+1G>C (NM_001348037.3, NM_001348045.3, NM_001348046.3 and 1 more transcripts); c.307+1G>C (NM_001348042.3).
Identifiers: ClinVar variation 2661 (VCV000002661.8), dbSNP rs587777811, ClinGen allele CA252390.